The following is an entry in ClinVar:

ClinVar aggregate classification (germline): Uncertain significance (1 of 4 stars; one submission).

Conditions:
Inborn genetic diseases. Identifiers: MedGen C0950123, MeSH D030342.

Allele frequency attached by ClinVar (database versions not stated): gnomAD exomes below 0.00001.
gnomAD v4.1: 1 of 1,613,510 alleles (0.000062%); highest among the groups gnomAD compares: Non-Finnish European, 0.000085%; no homozygotes.

Submission:

Ambry Genetics
Classification: Uncertain significance for Inborn genetic diseases. Last evaluated: 2023-11-06. Review status: criteria provided, single submitter. Criteria: Ambry Variant Classification Scheme 2023. Collection method: clinical testing. Allele origin: germline.
Comment: The p.S452N variant (also known as c.1355G>A), located in coding exon 12 of the DPYD gene, results from a G to A substitution at nucleotide position 1355. The serine at codon 452 is replaced by asparagine, an amino acid with highly similar properties. This amino acid position is conserved. In addition, this alteration is predicted to be tolerated by in silico analysis. Since supporting evidence is limited at this time, the clinical significance of this alteration remains unclear.

NM_000110.4(DPYD):c.1355G>A (p.Ser452Asn)

Gene: DPYD (dihydropyrimidine dehydrogenase; minus strand). Cytogenetic location: 1p21.3.
Variant type: single nucleotide variant.
Coding change: c.1355G>A on transcript NM_000110.4 (MANE Select); coding-DNA position 1355, G replaced by A.
Protein change: p.Ser452Asn; replaces serine 452 with asparagine.
Molecular consequence: missense variant.
Genome position (GRCh38, 1-based): chr1:97,549,729, C>T on the plus strand (G>A on the coding strand, the complement: DPYD is on the minus strand). VCF-style: chr1-97549729-C-T. GRCh37 (hg19) VCF-style: chr1-98015285-C-T.
Other names: short protein forms S452N.
Identifiers: ClinVar variation 3230324 (VCV003230324.1), dbSNP rs1557791062, ClinGen allele CA341377896.